The following is an entry in ClinVar:

NM_015450.3(POT1):c.1348G>T (p.Glu450Ter)

Gene: POT1 (protection of telomeres 1; minus strand). Cytogenetic location: 7q31.33.
Variant type: single nucleotide variant.
Coding change: c.1348G>T on transcript NM_015450.3 (MANE Select); coding-DNA position 1348, G replaced by T.
Protein change: p.Glu450Ter; replaces glutamic acid 450 with a stop codon.
Molecular consequence: nonsense. On other transcripts: non-coding transcript variant (3).
Genome position (GRCh38, 1-based): chr7:124,840,994, C>A on the plus strand (G>T on the coding strand, the complement: POT1 is on the minus strand). VCF-style: chr7-124840994-C-A. GRCh37 (hg19) VCF-style: chr7-124481048-C-A.
Other names: c.955G>T, p.Glu319Ter (NM_001042594.2); short protein forms E450*, E319*.
Identifiers: ClinVar variation 209094 (VCV000209094.3), dbSNP rs797045169, ClinGen allele CA204988.

ClinVar aggregate classification (germline): Pathogenic. Review status: criteria provided, single submitter (1 of 4 stars). 2 submissions from 2 submitters: Pathogenic (1). 1 of the submissions does not count toward it. Last evaluated 2026-08-01.

Conditions:
Tumor predisposition syndrome 3 (TPDS3). Also called: Melanoma, cutaneous malignant, susceptibility to, 10; Glioma susceptibility 9; LONG TELOMERE SYNDROME, POT1-RELATED; POT1 Tumor Predisposition. Identifiers: Orphanet 618, MedGen C4014476, MONDO:0014368, OMIM 615848.

Submissions (2):

CeGaT Center for Human Genetics Tuebingen
Classification: Pathogenic. Last evaluated: 2026-08-01. Review status: criteria provided, single submitter. Criteria: CeGaT Center For Human Genetics Tuebingen Variant Classification Criteria Version 2. Collection method: clinical testing. Allele origin: germline. Affected: yes. Observed: 1 variant allele.
Comment: POT1: PVS1, PM2, PS4:Moderate

OMIM
Classification: Pathogenic for TUMOR PREDISPOSITION SYNDROME 3. Last evaluated: 2014-12-07. Review status: no assertion criteria provided. Collection method: literature only. Allele origin: germline. Not counted in ClinVar's aggregate classification.

Literature cited by the submitters: PubMed 25482530 (cited by OMIM).